The following is an entry in ClinVar:

NM_000264.5(PTCH1):c.232_233del (p.Trp78fs)

Gene: PTCH1 (patched 1; minus strand). Cytogenetic location: 9q22.32.
Variant type: Microsatellite.
Coding change: c.232_233del on transcript NM_000264.5 (MANE Select); coding-DNA positions 232 to 233, 2 bases deleted (TG; older notation c.232_233delTG).
Protein change: p.Trp78fs; shifts the reading frame from tryptophan 78.
Molecular consequence: frameshift variant. On other transcripts: 5 prime UTR variant (4), non-coding transcript variant (1).
Genome position (GRCh38, 1-based): chr9:95,506,568-95,506,569, CA deleted on the plus strand (TG on the coding strand, the reverse complement: PTCH1 is on the minus strand); deleting any 2 consecutive bases within chr9:95,506,568-95,506,571 gives the same sequence; the c. name uses the placement nearest the transcript's 3' end. VCF-style (leftmost placement, unchanged base first): chr9-95506567-CCA-C. GRCh37 (hg19) VCF-style: chr9-98268849-CCA-C.
Other names: c.34_35del, p.Trp12fs (NM_001083602.3, NM_001354919.2); c.229_230del, p.Trp77fs (NM_001083603.3); c.-224TG[1] (NM_001083604.3, NM_001083605.3, NM_001083606.3 and 1 more transcripts); c.232_233del, p.Trp78fs (NM_001354918.2); short protein forms W77fs, W12fs, W78fs.
Identifiers: ClinVar variation 2814044 (VCV002814044.3), dbSNP rs2538384730, ClinGen allele CA2739264836.

ClinVar aggregate classification (germline): Pathogenic (1 of 4 stars; one submission).

Conditions:
Gorlin syndrome. Also called: Nevoid Basal Cell Carcinoma Syndrome; Basal cell nevus syndrome. Identifiers: Orphanet 377, MedGen C0004779, MONDO:0007187.

Submission:

Labcorp Genetics (formerly Invitae), Labcorp
Classification: Pathogenic for Gorlin syndrome. Last evaluated: 2022-11-14. Review status: criteria provided, single submitter. Criteria: Invitae Variant Classification Sherloc (09022015). Collection method: clinical testing. Allele origin: germline.
Comment: This sequence change creates a premature translational stop signal (p.Trp78Alafs*11) in the PTCH1 gene. It is expected to result in an absent or disrupted protein product. Loss-of-function variants in PTCH1 are known to be pathogenic (PMID: 16301862, 16419085). This variant is not present in population databases (gnomAD no frequency). This variant has not been reported in the literature in individuals affected with PTCH1-related conditions. For these reasons, this variant has been classified as Pathogenic.

Literature cited by the submitters: PubMed 16301862; PubMed 16419085.